The following is an entry in ClinVar:

Conditions:
Breast-ovarian cancer, familial, susceptibility to, 1 (BROVCA1). Also called: BRCA1 Hereditary Breast and Ovarian Cancer; OVARIAN CANCER, SUSCEPTIBILITY TO. Identifiers: Orphanet 145, MedGen C2676676, MONDO:0011450, OMIM 604370. Disease mechanism: loss of function.

Submission:

Brotman Baty Institute, University of Washington
No classification provided (evidence only). Condition: Breast-ovarian cancer, familial 1. Review status: no classification provided. Collection method: in vitro. Allele origin: not applicable. Functional consequence: functionally_normal.
ClinVar note: "not provided" was previously submitted as the classification for the variant. However, the classification appeared to be based only on an observation of functional data so it was converted to no classification on 2025-07-30.

NM_007294.4(BRCA1):c.13G>T (p.Ala5Ser)

Gene: BRCA1 (BRCA1 DNA repair associated; minus strand). Cytogenetic location: 17q21.31.
Variant type: single nucleotide variant.
Coding change: c.13G>T on transcript NM_007294.4 (MANE Select); coding-DNA position 13, G replaced by T.
Protein change: p.Ala5Ser; replaces alanine 5 with serine.
Molecular consequence: missense variant. On other transcripts: 5 prime UTR variant (1), non-coding transcript variant (1).
Genome position (GRCh38, 1-based): chr17:43,124,084, C>A on the plus strand (G>T on the coding strand, the complement: BRCA1 is on the minus strand). VCF-style: chr17-43124084-C-A. GRCh37 (hg19) VCF-style: chr17-41276101-C-A.
Other names: c.-176G>T (NM_001407571.1, NM_001407853.1, NM_001407879.1 and 46 more transcripts); c.13G>T, p.Ala5Ser (NM_001407581.1, NM_001407582.1, NM_001407583.1 and 193 more transcripts); c.-245G>T (NM_001407694.1, NM_001407724.1, NM_001407727.1 and 11 more transcripts); c.-249G>T (NM_001407695.1, NM_001408465.1); c.-390G>T (NM_001407696.1); c.-274G>T (NM_001407697.1, NM_001407846.1, NM_001407920.1); c.-75G>T (NM_001407698.1, NM_001407732.1, NM_001407736.1 and 23 more transcripts); c.-248G>T (NM_001407725.1, NM_001407730.1, NM_001407734.1 and 22 more transcripts); and 8 more; short protein forms A5S.
Identifiers: ClinVar variation 867682 (VCV000867682.3), dbSNP rs1597923713, ClinGen allele CA10602133.
Genomic context (GRCh38, chr17:43,124,084, plus strand): 5'-GACACTCTAAGATTTTCTGCATAGCATTAATGACATTTTGTACTTCTTCAACGCGAAGAG[C>A]AGATAAATCCATTTCTTTCTGTTCCAATGAACTTTAACACATTAGAAAAACATATATATA-3'
Protein context (NP_009225.1, residues 1-15): MDLS[Ala5Ser]LRVEEVQNVI